The following is an entry in ClinVar:

ClinVar aggregate classification (germline): Likely benign. Review status: criteria provided, multiple submitters, no conflicts (2 of 4 stars). 3 submissions from 3 submitters: Likely benign (2). 1 of the submissions does not count toward it. Last evaluated 2023-08-20.

Conditions:
TMEM240-related disorder. Also called: TMEM240-related condition.
Inborn genetic diseases. Identifiers: MedGen C0950123, MeSH D030342.

Allele frequency attached by ClinVar (database versions not stated): TOPMed 0.00029; ExAC 0.00007; 1000 Genomes Project 0.00020; gnomAD 0.00033; 1000 Genomes Project 30x 0.00078.
gnomAD v4.1: 131 of 1,549,406 alleles (0.0085%); highest among the groups gnomAD compares: African/African-American, 0.082%; no homozygotes.

Submissions (3):

Labcorp Genetics (formerly Invitae), Labcorp
Classification: Likely benign. Last evaluated: 2023-08-20. Review status: criteria provided, single submitter. Criteria: Invitae Variant Classification Sherloc (09022015). Collection method: clinical testing. Allele origin: germline.

Ambry Genetics
Classification: Likely benign for Inborn genetic diseases. Last evaluated: 2022-12-12. Review status: criteria provided, single submitter. Criteria: Ambry Variant Classification Scheme 2023. Collection method: clinical testing. Allele origin: germline.

PreventionGenetics, part of Exact Sciences
Classification: Likely benign for TMEM240-related condition. Last evaluated: 2023-07-22. Review status: no assertion criteria provided. Collection method: clinical testing. Allele origin: germline. Not counted in ClinVar's aggregate classification.
Comment: This variant is classified as likely benign based on ACMG/AMP sequence variant interpretation guidelines (Richards et al. 2015 PMID: 25741868, with internal and published modifications).

NM_001114748.2(TMEM240):c.361G>A (p.Gly121Arg)

Gene: TMEM240 (transmembrane protein 240; minus strand). Cytogenetic location: 1p36.33.
Variant type: single nucleotide variant.
Coding change: c.361G>A on transcript NM_001114748.2 (MANE Select); coding-DNA position 361, G replaced by A.
Protein change: p.Gly121Arg; replaces glycine 121 with arginine.
Molecular consequence: missense variant.
Genome position (GRCh38, 1-based): chr1:1,535,601, C>T on the plus strand (G>A on the coding strand, the complement: TMEM240 is on the minus strand). VCF-style: chr1-1535601-C-T. GRCh37 (hg19) VCF-style: chr1-1470981-C-T.
Other names: short protein forms G121R.
Identifiers: ClinVar variation 2077449 (VCV002077449.7), dbSNP rs546208867, ClinGen allele CA526673.